The following is an entry in ClinVar:

NM_001814.6(CTSC):c.615T>G (p.Ser205Arg)

Gene: CTSC (cathepsin C; minus strand). Cytogenetic location: 11q14.2.
Variant type: single nucleotide variant.
Coding change: c.615T>G on transcript NM_001814.6 (MANE Select); coding-DNA position 615, T replaced by G.
Protein change: p.Ser205Arg; replaces serine 205 with arginine.
Molecular consequence: missense variant.
Genome position (GRCh38, 1-based): chr11:88,309,189, A>C on the plus strand (T>G on the coding strand, the complement: CTSC is on the minus strand). VCF-style: chr11-88309189-A-C. GRCh37 (hg19) VCF-style: chr11-88042357-A-C.
Other names: short protein forms S205R.
Identifiers: ClinVar variation 1386283 (VCV001386283.5), dbSNP rs1424429034, ClinGen allele CA382024972.

ClinVar aggregate classification (germline): Uncertain significance (1 of 4 stars; one submission).

Conditions:
Papillon-Lefèvre syndrome (PALS). Also called: KERATOSIS PALMOPLANTARIS WITH PERIODONTOPATHIA; Papillon-Lefevre Disease. Identifiers: Orphanet 678, MedGen C0030360, MONDO:0009490, OMIM 245000.
Periodontitis, aggressive. Identifiers: MedGen C0031106, MONDO:0980757.
Haim-Munk syndrome (HMS). Also called: COCHIN JEWISH DISORDER; KERATOSIS PALMOPLANTARIS WITH PERIODONTOPATHIA AND ONYCHOGRYPOSIS. Identifiers: Orphanet 2342, MedGen C1855627, MONDO:0009491, OMIM 245010.

Allele frequency attached by ClinVar (database versions not stated): gnomAD exomes below 0.00001.
gnomAD v4.1: 1 of 1,614,040 alleles (0.000062%); highest among the groups gnomAD compares: Non-Finnish European, 0.000085%; no homozygotes.

Submission:

Labcorp Genetics (formerly Invitae), Labcorp
Classification: Uncertain significance for Haim-Munk syndrome; Periodontitis, aggressive; Papillon-Lefèvre syndrome. Last evaluated: 2021-10-12. Review status: criteria provided, single submitter. Criteria: Invitae Variant Classification Sherloc (09022015). Collection method: clinical testing. Allele origin: germline.
Comment: In summary, the available evidence is currently insufficient to determine the role of this variant in disease. Therefore, it has been classified as a Variant of Uncertain Significance. Algorithms developed to predict the effect of missense changes on protein structure and function output the following: SIFT: "Not Available"; PolyPhen-2: "Benign"; Align-GVGD: "Not Available". The arginine amino acid residue is found in multiple mammalian species, which suggests that this missense change does not adversely affect protein function. This variant has not been reported in the literature in individuals affected with CTSC-related conditions. This variant is not present in population databases (ExAC no frequency). This sequence change replaces serine with arginine at codon 205 of the CTSC protein (p.Ser205Arg). The serine residue is moderately conserved and there is a moderate physicochemical difference between serine and arginine.